The following is an entry in ClinVar:

ClinVar aggregate classification (germline): Likely pathogenic (1 of 4 stars; one submission).

Conditions:
Seizures, benign familial infantile, 3 (BFIS3). Also called: Familial neonatal seizures; CONVULSIONS, BENIGN FAMILIAL INFANTILE, 3. Identifiers: Orphanet 140927, Orphanet 306, MedGen C1843140, MONDO:0011904, OMIM 607745.
Developmental and epileptic encephalopathy, 11 (DEE11). Also called: Early infantile epileptic encephalopathy 11. Identifiers: Orphanet 1934, MedGen C3150987, MONDO:0013388, OMIM 613721.

Submission:

Labcorp Genetics (formerly Invitae), Labcorp
Classification: Likely pathogenic for Seizures, benign familial infantile, 3; Developmental and epileptic encephalopathy, 11. Last evaluated: 2022-08-16. Review status: criteria provided, single submitter. Criteria: Invitae Variant Classification Sherloc (09022015). Collection method: clinical testing. Allele origin: germline.
Comment: In summary, the currently available evidence indicates that the variant is pathogenic, but additional data are needed to prove that conclusively. Therefore, this variant has been classified as Likely Pathogenic. This variant disrupts the p.Glu999 amino acid residue in SCN2A. Other variant(s) that disrupt this residue have been determined to be pathogenic (PMID: 23935176, 26648591, 26993267, 27867041, 28379373). This suggests that this residue is clinically significant, and that variants that disrupt this residue are likely to be disease-causing. This variant has not been reported in the literature in individuals affected with SCN2A-related conditions. This variant is a gross deletion of the genomic region encompassing exon(s) 17 of the SCN2A gene. This variant would be expected to be in-frame, preserving the integrity of the reading frame.

Literature cited by the submitters: PubMed 23935176; PubMed 26648591; PubMed 26993267; PubMed 27867041; PubMed 28379373.

NC_000002.11:g.(?_166210682)_(166211201_?)del

Gene: SCN2A (sodium voltage-gated channel alpha subunit 2; plus strand). Cytogenetic location: 2q24.3.
Variant type: Deletion.
Identifiers: ClinVar variation 1523307 (VCV001523307.9).